The following is an entry in ClinVar:

NM_183357.3(ADCY5):c.766A>C (p.Met256Leu)

Gene: ADCY5 (adenylate cyclase 5; minus strand). Cytogenetic location: 3q21.1.
Variant type: single nucleotide variant.
Coding change: c.766A>C on transcript NM_183357.3 (MANE Select); coding-DNA position 766, A replaced by C.
Protein change: p.Met256Leu; replaces methionine 256 with leucine.
Molecular consequence: missense variant.
Genome position (GRCh38, 1-based): chr3:123,447,780, T>G on the plus strand (A>C on the coding strand, the complement: ADCY5 is on the minus strand). VCF-style: chr3-123447780-T-G. GRCh37 (hg19) VCF-style: chr3-123166627-T-G.
Other names: c.766A>C, p.Met256Leu (NM_001378259.1); short protein forms M256L.
Identifiers: ClinVar variation 1697200 (VCV001697200.2), dbSNP rs772476635, ClinGen allele CA2577643.

ClinVar aggregate classification (germline): Uncertain significance (1 of 4 stars; one submission).

Allele frequency attached by ClinVar (database versions not stated): gnomAD exomes below 0.00001; ExAC 0.00001.
gnomAD v4.1: 1 of 1,610,608 alleles (0.000062%); highest among the groups gnomAD compares: South Asian, 0.0011%; no homozygotes.

Submission:

GeneDx
Classification: Uncertain significance. Last evaluated: 2022-01-13. Review status: criteria provided, single submitter. Criteria: GeneDx Variant Classification Process June 2021. Collection method: clinical testing. Allele origin: germline. Affected: yes.
Comment: Not observed at significant frequency in large population cohorts (gnomAD); In silico analysis supports that this missense variant does not alter protein structure/function; Has not been previously published as pathogenic or benign to our knowledge